The following is an entry in ClinVar:

ClinVar aggregate classification (germline): Uncertain significance (1 of 4 stars; one submission).

Submission:

GeneDx
Classification: Uncertain significance. Last evaluated: 2025-06-10. Review status: criteria provided, single submitter. Criteria: GeneDx Variant Classification Process June 2021. Collection method: clinical testing. Allele origin: germline.
Comment: Not observed at significant frequency in large population cohorts (gnomAD); In silico analysis supports that this missense variant has a deleterious effect on protein structure/function; Has not been previously published as pathogenic or benign to our knowledge

NM_001375524.1(TRRAP):c.11117A>G (p.Asn3706Ser)

Gene: TRRAP (transformation/transcription domain associated protein; plus strand). Cytogenetic location: 7q22.1.
Variant type: single nucleotide variant.
Coding change: c.11117A>G on transcript NM_001375524.1 (MANE Select); coding-DNA position 11117, A replaced by G.
Protein change: p.Asn3706Ser; replaces asparagine 3706 with serine.
Molecular consequence: missense variant.
Genome position (GRCh38, 1-based): chr7:99,011,230, A>G. VCF-style: chr7-99011230-A-G. GRCh37 (hg19) VCF-style: chr7-98608853-A-G.
Other names: c.11075A>G, p.Asn3692Ser (NM_001244580.2); c.10988A>G, p.Asn3663Ser (NM_003496.4); short protein forms N3663S, N3692S, N3706S.
Identifiers: ClinVar variation 3774747 (VCV003774747.2).